The following is an entry in ClinVar:

ClinVar aggregate classification (germline): Pathogenic (1 of 4 stars; one submission).

Submission:

GeneDx
Classification: Pathogenic. Last evaluated: 2015-07-16. Review status: criteria provided, single submitter. Criteria: GeneDx Variant Classification (06012015). Collection method: clinical testing. Allele origin: germline. Affected: yes.
Comment: The c.11122-2 A>G splice site variant in the GPR98 gene has not been reported as a pathogenic variant or as a benign polymorphism to our knowledge. The c.11122-2 A>G splice site substitution destroys the canonical splice acceptor site in intron 53. It is predicted to cause abnormal gene splicing, either leading to an abnormal message that is subject to nonsense-mediated mRNA decay, or to an abnormal protein product if the message is used for protein translation. The c.11122-2 A>G variant was not observed in approximately 6,000 individuals of European and African American ancestry in the NHLBI Exome Sequencing Project, indicating it is not a common benign variant in these populations. Therefore, we interpret c.1112-2 A>G to be a pathogenic variant.

NM_032119.4(ADGRV1):c.11122-2A>G

Gene: ADGRV1 (adhesion G protein-coupled receptor V1; plus strand). Cytogenetic location: 5q14.3.
Variant type: single nucleotide variant.
Coding change: c.11122-2A>G on transcript NM_032119.4 (MANE Select); the canonical splice acceptor site of the intron before coding-DNA position 11122, A replaced by G.
Molecular consequence: splice acceptor variant.
Genome position (GRCh38, 1-based): chr5:90,753,572, A>G. VCF-style: chr5-90753572-A-G. GRCh37 (hg19) VCF-style: chr5-90049389-A-G.
Identifiers: ClinVar variation 372374 (VCV000372374.2), dbSNP rs1057517741, ClinGen allele CA16042615.
Genomic context (GRCh38, chr5:90,753,572, plus strand): 5'-ATATTCTTACTACATAGTGACAATTACAAAATAAATAACATCTTCTTTCTTTAAAATTCT[A>G]GATTTTATTTACTGAAGGCCAGGTACTGTCAACAATCACTCTAACTATTCTTGCTGATAA-3'